The following is an entry in ClinVar:

ClinVar aggregate classification (germline): Uncertain significance (1 of 4 stars; one submission).

Allele frequency attached by ClinVar (database versions not stated): TOPMed below 0.00001; gnomAD exomes 0.00001.

Submission:

Labcorp Genetics (formerly Invitae), Labcorp
Classification: Uncertain significance. Last evaluated: 2023-11-08. Review status: criteria provided, single submitter. Criteria: Invitae Variant Classification Sherloc (09022015). Collection method: clinical testing. Allele origin: germline.
Comment: This sequence change replaces phenylalanine, which is neutral and non-polar, with leucine, which is neutral and non-polar, at codon 221 of the CCNQ protein (p.Phe221Leu). This variant is present in population databases (no rsID available, gnomAD 0.001%). This variant has not been reported in the literature in individuals affected with CCNQ-related conditions. Experimental studies and prediction algorithms are not available or were not evaluated, and the functional significance of this variant is currently unknown. In summary, the available evidence is currently insufficient to determine the role of this variant in disease. Therefore, it has been classified as a Variant of Uncertain Significance.

NM_152274.5(CCNQ):c.661T>C (p.Phe221Leu)

Gene: CCNQ (cyclin Q; minus strand). Cytogenetic location: Xq28.
Variant type: single nucleotide variant.
Coding change: c.661T>C on transcript NM_152274.5 (MANE Select); coding-DNA position 661, T replaced by C.
Protein change: p.Phe221Leu; replaces phenylalanine 221 with leucine.
Molecular consequence: missense variant. On other transcripts: intron variant (1).
Genome position (GRCh38, 1-based): chrX:153,588,451, A>G on the plus strand (T>C on the coding strand, the complement: CCNQ is on the minus strand). VCF-style: chrX-153588451-A-G. GRCh37 (hg19) VCF-style: chrX-152853909-A-G.
Other names: c.658-57T>C (NM_001130997.3); short protein forms F221L.
Identifiers: ClinVar variation 2899647 (VCV002899647.3), dbSNP rs1557025069, ClinGen allele CA415085887.